The following is an entry in ClinVar:

NM_181458.4(PAX3):c.348del (p.Ile118fs)

Gene: PAX3 (paired box 3; minus strand). Cytogenetic location: 2q36.1.
Variant type: Deletion.
Coding change: c.348del on transcript NM_181458.4 (MANE Select); coding-DNA position 348, one base deleted (G; older notation c.348delG).
Protein change: p.Ile118fs; shifts the reading frame from isoleucine 118.
Molecular consequence: frameshift variant.
Genome position (GRCh38, 1-based): chr2:222,295,631, C deleted on the plus strand (G on the coding strand, the reverse complement: PAX3 is on the minus strand). VCF-style (leftmost placement, unchanged base first): chr2-222295630-TC-T. GRCh37 (hg19) VCF-style: chr2-223160349-TC-T.
Other names: c.348del, p.Ile118fs (NM_000438.6, NM_013942.5, NM_181457.4 and 3 more transcripts); c.345del, p.Ile117fs (NM_001127366.3); short protein forms I117fs, I118fs.
Identifiers: ClinVar variation 3601578 (VCV003601578.1).

ClinVar aggregate classification (germline): Pathogenic (1 of 4 stars; one submission).

Conditions:
Waardenburg syndrome type 1 (WS1). Also called: WAARDENBURG SYNDROME WITH DYSTOPIA CANTHORUM; Waardenburg Syndrome Type I. Identifiers: Orphanet 894, MedGen C1847800, MONDO:0008670, OMIM 193500.

Submission:

Institute of Rare Diseases, West China Hospital, Sichuan University
Classification: Pathogenic for Waardenburg syndrome type 1. Last evaluated: 2025-01-09. Review status: criteria provided, single submitter. Criteria: ClinGen HL ACMG Specifications v1. Collection method: research. Allele origin: germline. Affected: yes.
Comment: PM1;PVS1;PS2;PM2_Supporting